The following is an entry in ClinVar:

ClinVar aggregate classification (germline): Uncertain significance (1 of 4 stars; one submission).

Conditions:
Episodic ataxia type 2 (EA2). Also called: ATAXIA, EPISODIC, WITH NYSTAGMUS; ATAXIA, FAMILIAL PAROXYSMAL; CEREBELLAR ATAXIA, PAROXYSMAL, ACETAZOLAMIDE-RESPONSIVE; CEREBELLOPATHY, HEREDITARY PAROXYSMAL; EPISODIC ATAXIA, NYSTAGMUS-ASSOCIATED; ACETAZOLAMIDE-RESPONSIVE HEREDITARY PAROXYSMAL CEREBELLAR ATAXIA. Identifiers: Orphanet 97, MedGen C1720416, MONDO:0007163, OMIM 108500.
Developmental and epileptic encephalopathy, 42 (DEE42A). Also called: Epileptic encephalopathy, early infantile, 42; DEVELOPMENTAL AND EPILEPTIC ENCEPHALOPATHY 42A; EPILEPTIC ENCEPHALOPATHY, EARLY INFANTILE, 42A. Identifiers: MedGen C4310716, MONDO:0014917, OMIM 617106.

Submission:

Labcorp Genetics (formerly Invitae), Labcorp
Classification: Uncertain significance for Developmental and epileptic encephalopathy, 42; Episodic ataxia type 2. Last evaluated: 2025-06-04. Review status: criteria provided, single submitter. Criteria: Invitae Variant Classification Sherloc (09022015). Collection method: clinical testing. Allele origin: germline.
Comment: This sequence change replaces methionine, which is neutral and non-polar, with leucine, which is neutral and non-polar, at codon 1928 of the CACNA1A protein (p.Met1928Leu). This variant is not present in population databases (gnomAD no frequency). This missense change has been observed in individual(s) with clinical features of CACNA1A-related conditions (internal data). ClinVar contains an entry for this variant (Variation ID: 1423317). Invitae Evidence Modeling of protein sequence and biophysical properties (such as structural, functional, and spatial information, amino acid conservation, physicochemical variation, residue mobility, and thermodynamic stability) indicates that this missense variant is not expected to disrupt CACNA1A protein function with a negative predictive value of 95%. In summary, the available evidence is currently insufficient to determine the role of this variant in disease. Therefore, it has been classified as a Variant of Uncertain Significance.

NM_001127222.2(CACNA1A):c.5779A>T (p.Met1927Leu)

Gene: CACNA1A (calcium voltage-gated channel subunit alpha1 A; minus strand). Cytogenetic location: 19p13.13.
Variant type: single nucleotide variant.
Coding change: c.5779A>T on transcript NM_001127222.2 (MANE Select); coding-DNA position 5779, A replaced by T.
Protein change: p.Met1927Leu; replaces methionine 1927 with leucine.
Molecular consequence: missense variant.
Genome position (GRCh38, 1-based): chr19:13,214,561, T>A on the plus strand (A>T on the coding strand, the complement: CACNA1A is on the minus strand). VCF-style: chr19-13214561-T-A. GRCh37 (hg19) VCF-style: chr19-13325375-T-A.
Other names: c.5797A>T, p.Met1933Leu (NM_000068.4, NM_023035.3); c.5782A>T, p.Met1928Leu (NM_001127221.2); c.5788A>T, p.Met1930Leu (NM_001174080.2); short protein forms M1933L, M1930L, M1927L, M1928L.
Identifiers: ClinVar variation 1423317 (VCV001423317.6), dbSNP rs775982911, ClinGen allele CA404334504.